The following is an entry in ClinVar:

ClinVar aggregate classification (germline): Uncertain significance (1 of 4 stars; one submission).

Conditions:
X-linked intellectual disability Cabezas type (MRXSC). Also called: Intellectual developmental disorder, X-linked syndromic, Cabezas type; CABEZAS SYNDROME; MENTAL RETARDATION, X-LINKED, SYNDROMIC 15. Identifiers: Orphanet 85289, Orphanet 85293, MedGen C1845861, MONDO:0010306, OMIM 300354.

Submission:

Labcorp Genetics (formerly Invitae), Labcorp
Classification: Uncertain significance for X-linked intellectual disability Cabezas type. Last evaluated: 2022-08-28. Review status: criteria provided, single submitter. Criteria: Invitae Variant Classification Sherloc (09022015). Collection method: clinical testing. Allele origin: germline.
Comment: This sequence change replaces serine, which is neutral and polar, with phenylalanine, which is neutral and non-polar, at codon 81 of the CUL4B protein (p.Ser81Phe). This variant is present in population databases (no rsID available, gnomAD 0.001%), including at least one homozygous and/or hemizygous individual. This variant has not been reported in the literature in individuals affected with CUL4B-related conditions. Algorithms developed to predict the effect of missense changes on protein structure and function are either unavailable or do not agree on the potential impact of this missense change (SIFT: "Deleterious"; PolyPhen-2: "Benign"; Align-GVGD: "Class C0"). In summary, the available evidence is currently insufficient to determine the role of this variant in disease. Therefore, it has been classified as a Variant of Uncertain Significance.

NM_001079872.2(CUL4B):c.188C>T (p.Ser63Phe)

Genes: CUL4B (cullin 4B; minus strand), LOC113845788 (Sharpr-MPRA regulatory region 11856; plus strand). Cytogenetic location: Xq24.
Variant type: single nucleotide variant.
Coding change: c.188C>T on transcript NM_001079872.2 (MANE Select); coding-DNA position 188, C replaced by T.
Protein change: p.Ser63Phe; replaces serine 63 with phenylalanine.
Molecular consequence: missense variant.
Genome position (GRCh38, 1-based): chrX:120,560,451, G>A on the plus strand (C>T on the coding strand, the complement: CUL4B is on the minus strand). VCF-style: chrX-120560451-G-A. GRCh37 (hg19) VCF-style: chrX-119694306-G-A.
Other names: c.203C>T, p.Ser68Phe (NM_001330624.2); c.242C>T, p.Ser81Phe (NM_003588.4); short protein forms S81F, S63F, S68F.
Identifiers: ClinVar variation 2013669 (VCV002013669.4), dbSNP rs1249285278, ClinGen allele CA414205948.